The following is an entry in ClinVar:

ClinVar aggregate classification (germline): Likely benign. Review status: criteria provided, multiple submitters, no conflicts (2 of 4 stars). 3 submissions from 3 submitters: Likely benign (3). Last evaluated 2025-10-01.

Conditions:
Arrhythmogenic right ventricular dysplasia 9 (ARVD9). Also called: ARRHYTHMOGENIC RIGHT VENTRICULAR DYSPLASIA, FAMILIAL, 9; Arrhythmogenic Right Ventricular Dysplasia/Cardiomyopathy 9. Identifiers: MedGen C1836906, MONDO:0012180, OMIM 609040.
Arrhythmogenic right ventricular cardiomyopathy (ARVD). Also called: Arrhythmogenic right ventricular dysplasia; Cardiomyopathy, ARVC; Arrhythmogenic cardiomyopathy; Arrhythmogenic Right Ventricular Cardiomyopathy (ARVC). Identifiers: Orphanet 247, MedGen C0349788, MeSH D019571, MONDO:0016587. Disease mechanism: loss of function. Inheritance: Various modes of inheritance.
Cardiovascular phenotype. Identifiers: MedGen CN230736.

Allele frequency attached by ClinVar (database versions not stated): TOPMed below 0.00001; ExAC 0.00001; gnomAD exomes 0.00001.
gnomAD v4.1: 3 of 1,613,926 alleles (0.00019%); highest among the groups gnomAD compares: African/African-American, 0.0027%; no homozygotes.

Submissions (3):

Ambry Genetics
Classification: Likely benign for Cardiovascular phenotype. Last evaluated: 2025-10-01. Review status: criteria provided, single submitter. Criteria: Ambry Variant Classification Scheme 2023. Collection method: clinical testing. Allele origin: germline.

All of Us Research Program, National Institutes of Health
Classification: Likely benign for Arrhythmogenic right ventricular cardiomyopathy. Last evaluated: 2023-12-13. Review status: criteria provided, single submitter. Criteria: ACMG Guidelines, 2015. Collection method: clinical testing. Allele origin: germline. Inheritance: Autosomal dominant inheritance. Observed: 1 variant allele, 1 heterozygote.
Comment: This study involves interpretation of variants in research participants for the purpose of population health screening. Participant phenotype was not available at the time of variant classification. Additional details can be found in publication PMID: 35346344, PMCID: PMC8962531

Labcorp Genetics (formerly Invitae), Labcorp
Classification: Likely benign for Arrhythmogenic right ventricular dysplasia 9. Last evaluated: 2022-12-20. Review status: criteria provided, single submitter. Criteria: Invitae Variant Classification Sherloc (09022015). Collection method: clinical testing. Allele origin: germline.

NM_001005242.3(PKP2):c.2229T>G (p.Leu743=)

Gene: PKP2 (plakophilin 2; minus strand). Cytogenetic location: 12p11.21.
Variant type: single nucleotide variant.
Coding change: c.2229T>G on transcript NM_001005242.3 (MANE Select); coding-DNA position 2229, T replaced by G.
Protein change: p.Leu743=; no amino-acid change (leucine 743 retained).
Molecular consequence: synonymous variant. On other transcripts: intron variant (2).
Genome position (GRCh38, 1-based): chr12:32,796,237, A>C on the plus strand (T>G on the coding strand, the complement: PKP2 is on the minus strand). VCF-style: chr12-32796237-A-C. GRCh37 (hg19) VCF-style: chr12-32949171-A-C.
Other names: c.1902T>G, p.Leu634= (NM_001407159.1, NM_001407158.1); c.2361T>G, p.Leu787= (NM_004572.4); c.2168-3506T>G (NM_001407155.1); c.1841-3506T>G (NM_001407160.1); c.2064T>G, p.Leu688= (NM_001407156.1).
Identifiers: ClinVar variation 3000663 (VCV003000663.5), dbSNP rs777122614, ClinGen allele CA034923.